The following is an entry in ClinVar:

NM_007325.5(GRIA3):c.904C>A (p.Pro302Thr)

Gene: GRIA3 (glutamate ionotropic receptor AMPA type subunit 3; plus strand). Cytogenetic location: Xq25.
Variant type: single nucleotide variant.
Coding change: c.904C>A on transcript NM_007325.5 (MANE Select); coding-DNA position 904, C replaced by A.
Protein change: p.Pro302Thr; replaces proline 302 with threonine.
Molecular consequence: missense variant.
Genome position (GRCh38, 1-based): chrX:123,395,121, C>A. VCF-style: chrX-123395121-C-A. GRCh37 (hg19) VCF-style: chrX-122528972-C-A.
Other names: c.904C>A, p.Pro302Thr (NM_000828.5); short protein forms P302T.
Identifiers: ClinVar variation 3650048 (VCV003650048.2).
Genomic context (GRCh38, chrX:123,395,121, plus strand): 5'-CAGTTCATACAGCGCTGGGTGAGGCTGGATGAAAGGGAATTCCCTGAAGCCAAGAATGCA[C>A]CACTAAAGGTAATGTTCCATGGCATGTAAAAAACCTAAGGCCAGCTTTTCAAAGTATCTC-3'
Protein context (NP_015564.5, residues 292-312): EREFPEAKNA[Pro302Thr]LKYTSALTHD

ClinVar aggregate classification (germline): Uncertain significance (1 of 4 stars; one submission).

Submission:

Labcorp Genetics (formerly Invitae), Labcorp
Classification: Uncertain significance. Last evaluated: 2024-04-16. Review status: criteria provided, single submitter. Criteria: Invitae Variant Classification Sherloc (09022015). Collection method: clinical testing. Allele origin: germline.
Comment: This sequence change replaces proline, which is neutral and non-polar, with threonine, which is neutral and polar, at codon 302 of the GRIA3 protein (p.Pro302Thr). This variant is not present in population databases (gnomAD no frequency). This variant has not been reported in the literature in individuals affected with GRIA3-related conditions. Advanced modeling of protein sequence and biophysical properties (such as structural, functional, and spatial information, amino acid conservation, physicochemical variation, residue mobility, and thermodynamic stability) performed at Invitae indicates that this missense variant is not expected to disrupt GRIA3 protein function with a negative predictive value of 80%. In summary, the available evidence is currently insufficient to determine the role of this variant in disease. Therefore, it has been classified as a Variant of Uncertain Significance.